The following is an entry in ClinVar:

ClinVar aggregate classification (germline): Pathogenic. Review status: criteria provided, multiple submitters, no conflicts (2 of 4 stars). 5 submissions from 5 submitters: Pathogenic (5). Last evaluated 2026-06-23.

Conditions:
Familial hypokalemia-hypomagnesemia (GTLMNS). Also called: gitelman syndrome; POTASSIUM AND MAGNESIUM DEPLETION; HYPOMAGNESEMIA-HYPOKALEMIA, PRIMARY RENOTUBULAR, WITH HYPOCALCIURIA. Identifiers: Orphanet 358, MedGen C0268450, MONDO:0009904, OMIM 263800.
Renal tubulopathies.

Allele frequency attached by ClinVar (database versions not stated): gnomAD exomes below 0.00001; TOPMed 0.00001.

Submissions (5):

Genetics Laboratory, Great Ormond Street Hospital NHS Foundation Trust, North Thames Genomic Laboratory Hub
Classification: Pathogenic for Renal tubulopathies. Last evaluated: 2026-06-23. Review status: criteria provided, single submitter. Criteria: ACGS Best Practice Guidelines for Variant Classification in Rare Disease 2024 v1.2. Collection method: clinical testing. Allele origin: germline. Affected: yes.
Comment: PS4_moderate, PM2_moderate, PVS1_very-strong

3billion
Classification: Pathogenic for Familial hypokalemia-hypomagnesemia. Last evaluated: 2024-08-12. Review status: criteria provided, single submitter. Criteria: ACMG Guidelines, 2015. Collection method: clinical testing. Allele origin: germline. Affected: yes.
Comment: The variant is observed at an extremely low frequency in the gnomAD v4.0.0 dataset (total allele frequency: <0.001%). Predicted Consequence/Location: Canonical splice site: predicted to alter splicing and result in a loss or disruption of normal protein function. Multiple pathogenic loss-of-function variants are reported downstream of the variant. The variant has been reported at least twice as pathogenic without evidence for the classification (ClinVar ID: VCV000959666 /PMID: 17329572). Therefore, this variant is classified as Pathogenic according to the recommendation of ACMG/AMP guideline.

Natera, Inc.
Classification: Pathogenic for Gitelman syndrome. Last evaluated: 2024-04-17. Review status: criteria provided, single submitter. Criteria: Natera Variant Classification Schema (03/2026). Collection method: clinical testing. Allele origin: germline.
Comment: The c.964+1G>T variant in SLC12A3 is a canonical splice donor site variant predicted to affect pre-mRNA splicing, which may result in an abnormal transcript and altered protein product. This variant is expected to result in nonsense mediated decay, truncation, or a dysfunctional protein product. This variant is rare in the general population with a frequency below the threshold expected for the associated phenotype(s). This variant has been observed in one or more individuals affected with the associated recessive disease, as either homozygous or compound heterozygous with a second variant (PMID: 21415153). Another variant at this same site results in an alteration predicted to cause a similar molecular effect has been observed in individual(s) with the associated phenotype. Given the available evidence, this variant is classified as Pathogenic.

Labcorp Genetics (formerly Invitae), Labcorp
Classification: Pathogenic. Last evaluated: 2024-02-20. Review status: criteria provided, single submitter. Criteria: Invitae Variant Classification Sherloc (09022015). Collection method: clinical testing. Allele origin: germline.
Comment: This sequence change affects a donor splice site in intron 7 of the SLC12A3 gene. RNA analysis indicates that disruption of this splice site induces altered splicing and may result in an absent or disrupted protein product. This variant is not present in population databases (gnomAD no frequency). Disruption of this splice site has been observed in individuals with Gitelman syndrome (PMID: 17329572, 31672324). ClinVar contains an entry for this variant (Variation ID: 959666). Studies have shown that disruption of this splice site results in exon 7 and introduces a premature termination codon (PMID: 17329572). The resulting mRNA is expected to undergo nonsense-mediated decay. For these reasons, this variant has been classified as Pathogenic.

European Hospital Georges Pompidou Genetics Department, Assistance Publique - Hôpitaux de Paris AP-HP
Classification: Pathogenic for Familial hypokalemia-hypomagnesemia. Last evaluated: 2022-04-27. Review status: criteria provided, single submitter. Criteria: ACMG Guidelines, 2015. Collection method: clinical testing. Allele origin: germline. Affected: yes.
Comment: ACMG criteria used:PVS1 PS4 PM1 PM2 PM3 PP3 PP5

Literature cited by the submitters: PubMed 17329572 (cited by 3billion and Labcorp Genetics (formerly Invitae), Labcorp); PubMed 21415153 (cited by Natera, Inc.); PubMed 31672324 (cited by Labcorp Genetics (formerly Invitae), Labcorp).

NM_001126108.2(SLC12A3):c.964+1G>T

Gene: SLC12A3 (solute carrier family 12 member 3; plus strand). Cytogenetic location: 16q13.
Variant type: single nucleotide variant.
Coding change: c.964+1G>T on transcript NM_001126108.2 (MANE Select); the canonical splice donor site of the intron after coding-DNA position 964, G replaced by T.
Molecular consequence: splice donor variant.
Genome position (GRCh38, 1-based): chr16:56,872,463, G>T. VCF-style: chr16-56872463-G-T. GRCh37 (hg19) VCF-style: chr16-56906375-G-T.
Other names: c.964+1G>T (NM_000339.3); c.961+1G>T (NM_001126107.2, NM_001410896.1).
Identifiers: ClinVar variation 959666 (VCV000959666.13), dbSNP rs1596895536, ClinGen allele CA395983513.